The following is an entry in ClinVar:

ClinVar aggregate classification (germline): Uncertain significance (1 of 4 stars; one submission).

Allele frequency attached by ClinVar (database versions not stated): gnomAD 0.00001; gnomAD exomes 0.00001; TOPMed 0.00001.
gnomAD v4.1: 16 of 1,614,086 alleles (0.00099%); highest among the groups gnomAD compares: Non-Finnish European, 0.0014%; no homozygotes.

Submission:

Labcorp Genetics (formerly Invitae), Labcorp
Classification: Uncertain significance. Last evaluated: 2022-10-07. Review status: criteria provided, single submitter. Criteria: Invitae Variant Classification Sherloc (09022015). Collection method: clinical testing. Allele origin: germline.
Comment: This sequence change replaces alanine, which is neutral and non-polar, with valine, which is neutral and non-polar, at codon 262 of the CNGA3 protein (p.Ala262Val). This variant is not present in population databases (gnomAD no frequency). This variant has not been reported in the literature in individuals affected with CNGA3-related conditions. ClinVar contains an entry for this variant (Variation ID: 1473018). Algorithms developed to predict the effect of missense changes on protein structure and function (SIFT, PolyPhen-2, Align-GVGD) all suggest that this variant is likely to be tolerated. In summary, the available evidence is currently insufficient to determine the role of this variant in disease. Therefore, it has been classified as a Variant of Uncertain Significance.

NM_001298.3(CNGA3):c.785C>T (p.Ala262Val)

Gene: CNGA3 (cyclic nucleotide gated channel subunit alpha 3; plus strand). Cytogenetic location: 2q11.2.
Variant type: single nucleotide variant.
Coding change: c.785C>T on transcript NM_001298.3 (MANE Select); coding-DNA position 785, C replaced by T.
Protein change: p.Ala262Val; replaces alanine 262 with valine.
Molecular consequence: missense variant.
Genome position (GRCh38, 1-based): chr2:98,395,955, C>T. VCF-style: chr2-98395955-C-T. GRCh37 (hg19) VCF-style: chr2-99012418-C-T.
Other names: c.731C>T, p.Ala244Val (NM_001079878.2); short protein forms A244V, A262V.
Identifiers: ClinVar variation 1473018 (VCV001473018.3), dbSNP rs1226035392, ClinGen allele CA347832142.
Genomic context (GRCh38, chr2:98,395,955, plus strand): 5'-ATTACAAGACGACCACGCAGTTCAAGCTGGATGTGTTGTCCCTGGTCCCCACCGACCTGG[C>T]TTACTTAAAGGTGGGCACAAACTACCCAGAAGTGAGGTTCAACCGCCTACTGAAGTTTTC-3'
Protein context (NP_001289.1, residues 252-272): DVLSLVPTDL[Ala262Val]YLKVGTNYPE